The following is an entry in ClinVar:

ClinVar aggregate classification (germline): Likely pathogenic (0 of 4 stars; one submission).

Conditions:
Vascular Malformations and Overgrowth.

Submission:

Institute for Genomic Medicine (IGM) Clinical Laboratory, Nationwide Children's Hospital
Classification: Likely pathogenic for Vascular Malformations and Overgrowth. Last evaluated: 2020-11-08. Review status: no assertion criteria provided. Collection method: research. Allele origin: somatic. Affected: yes.
Comment: This alteration is of apparent somatic mosaic etiology with strong supporting evidence including no discernible strand bias, in a region absent of repetition and sequence homology, with clean, high-quality reads, having a variant allele fraction >= 3% [PS2], is either well-represented in cancer as identified in the COSMIC database with >=20 documented instances or considered to occur in a statistically significant hotspot or region according to an online resource database [PM_CANCER], and is in a non-repetitive region and results in a protein length change predicted to result in an in-frame protein product [PM4].

NM_181523.3(PIK3R1):c.1355_1365delinsTTCAAGAAAAAAGTTTCTTGAAA (p.Tyr452_Gln455delinsPheGlnGluLysSerPheLeuLys)

Gene: PIK3R1 (phosphoinositide-3-kinase regulatory subunit 1; plus strand). Cytogenetic location: 5q13.1.
Variant type: Indel.
Coding change: c.1355_1365delinsTTCAAGAAAAAAGTTTCTTGAAA on transcript NM_181523.3 (MANE Select); coding-DNA positions 1355 to 1365, ATAACACTCAG replaced by TTCAAGAAAAAAGTTTCTTGAAA.
Protein change: p.Tyr452_Gln455delinsPheGlnGluLysSerPheLeuLys.
Molecular consequence: inframe indel.
Genome position (GRCh38, 1-based): chr5:68,293,764-68,293,774, ATAACACTCAG replaced by TTCAAGAAAAAAGTTTCTTGAAA. GRCh37 (hg19): chr5:67,589,592-67,589,602.
Other names: c.266_276delinsTTCAAGAAAAAAGTTTCTTGAAA, p.Tyr89_Gln92delinsPheGlnGluLysSerPheLeuLys (NM_001242466.2); c.545_555delinsTTCAAGAAAAAAGTTTCTTGAAA, p.Tyr182_Gln185delinsPheGlnGluLysSerPheLeuLys (NM_181504.4); c.455_465delinsTTCAAGAAAAAAGTTTCTTGAAA, p.Tyr152_Gln155delinsPheGlnGluLysSerPheLeuLys (NM_181524.2).
Identifiers: ClinVar variation 996073 (VCV000996073.5), dbSNP rs1747528071, ClinGen allele CA1553405443.
Genomic context (GRCh38, chr5:68,293,764, plus strand): 5'-TCTAGGATCAAGTTGTCAAAGAAGATAATATTGAAGCTGTAGGGAAAAAATTACATGAAT[ATAACACTCAG>TTCAAGAAAAAAGTTTCTTGAAA]TTTCAAGAAAAAAGTCGAGAATATGATAGATTATATGAAGAATATACCCGCACATCCCAG-3'